The following is an entry in ClinVar:

NM_000322.5(PRPH2):c.633_658del (p.Phe211fs)

Gene: PRPH2 (peripherin 2; minus strand). Cytogenetic location: 6p21.1.
Variant type: Deletion.
Coding change: c.633_658del on transcript NM_000322.5 (MANE Select); coding-DNA positions 633 to 658, 26 bases deleted (CAGCTGCTGCAATCCTAGCTCGCCAC).
Protein change: p.Phe211fs; shifts the reading frame from phenylalanine 211.
Molecular consequence: frameshift variant.
Genome position (GRCh38, 1-based): chr6:42,704,535-42,704,560, GTGGCGAGCTAGGATTGCAGCAGCTG deleted on the plus strand (CAGCTGCTGCAATCCTAGCTCGCCAC on the coding strand, the reverse complement: PRPH2 is on the minus strand). VCF-style (leftmost placement, unchanged base first): chr6-42704534-CGTGGCGAGCTAGGATTGCAGCAGCTG-C. GRCh37 (hg19) VCF-style: chr6-42672272-CGTGGCGAGCTAGGATTGCAGCAGCTG-C.
Other names: short protein forms F211fs.
Identifiers: ClinVar variation 1076115 (VCV001076115.10), dbSNP rs2152005323, ClinGen allele CA2499218273.

ClinVar aggregate classification (germline): Pathogenic/Likely pathogenic. Review status: criteria provided, multiple submitters, no conflicts (2 of 4 stars). 2 submissions from 2 submitters: Pathogenic (1); Likely pathogenic (1). Last evaluated 2024-11-06.

Conditions:
PRPH2-related disorder. Also called: PRPH2-related condition; PRPH2-related disorders. Identifiers: MedGen CN239395.

Submissions (2):

Labcorp Genetics (formerly Invitae), Labcorp
Classification: Pathogenic for PRPH2-related disorder. Last evaluated: 2024-11-06. Review status: criteria provided, single submitter. Criteria: Invitae Variant Classification Sherloc (09022015). Collection method: clinical testing. Allele origin: germline.
Comment: This sequence change creates a premature translational stop signal (p.Phe211Leufs*81) in the PRPH2 gene. While this is not anticipated to result in nonsense mediated decay, it is expected to disrupt the last 136 amino acid(s) of the PRPH2 protein. This variant is not present in population databases (gnomAD no frequency). This variant has not been reported in the literature in individuals affected with PRPH2-related conditions. ClinVar contains an entry for this variant (Variation ID: 1076115). This variant disrupts a region of the PRPH2 protein in which other variant(s) (p.Leu307Argfs*17) have been determined to be pathogenic (PMID: 8019570, 22183351, 24265693). This suggests that this is a clinically significant region of the protein, and that variants that disrupt it are likely to be disease-causing. For these reasons, this variant has been classified as Pathogenic.

Blueprint Genetics
Classification: Likely pathogenic for PRPH2-related disorders. Last evaluated: 2022-04-25. Review status: criteria provided, single submitter. Criteria: ACMG Guidelines, 2015. Collection method: clinical testing. Allele origin: germline. Affected: yes. Observed: 1 variant allele.

Literature cited by the submitters: PubMed 8019570 (cited by Labcorp Genetics (formerly Invitae), Labcorp); PubMed 22183351 (cited by Labcorp Genetics (formerly Invitae), Labcorp); PubMed 24265693 (cited by Labcorp Genetics (formerly Invitae), Labcorp).